The following is an entry in ClinVar:

ClinVar aggregate classification (germline): Benign/Likely benign. Review status: criteria provided, multiple submitters, no conflicts (2 of 4 stars). 14 submissions from 12 submitters: Benign (11); Likely benign (3). Last evaluated 2026-08-01.

Conditions:
RYR1-related disorder. Also called: RYR1-related disorders; RYR1-related condition. Identifiers: MedGen CN239331.
Central core myopathy (CMYO1A). Also called: CONGENITAL MYOPATHY 1A, AUTOSOMAL DOMINANT, WITH SUSCEPTIBILITY TO MALIGNANT HYPERTHERMIA; Central core disease; Myopathy, central fibrillar. Identifiers: Orphanet 597, MedGen C5830701, MONDO:0007294, OMIM 117000.
Congenital multicore myopathy with external ophthalmoplegia (CMYO1B). Also called: Congenital myopathy 1B, autosomal recessive; Minicore myopathy; MULTIMINICORE DISEASE WITH EXTERNAL OPHTHALMOPLEGIA; Minicore myopathy with external ophthalmoplegia; MULTICORE MYOPATHY. Identifiers: Orphanet 598, Orphanet 98905, MedGen C1850674, MONDO:0009712, OMIM 255320, HP:0003789.
Malignant hyperthermia, susceptibility to, 1 (MHS1). Also called: Malignant hyperthermia suceptibility 1; Anesthesia related hyperthermia; Malignant hyperpyrexia; Fulminating hyperpyrexia; Pharmacogenic myopathy; RYR1-Related Malignant Hyperthermia Susceptibility. Identifiers: Orphanet 423, MedGen C2930980, MONDO:0007783, OMIM 145600.

Allele frequency attached by ClinVar (database versions not stated): gnomAD exomes 0.00052 and 0.00137; ExAC 0.00166; gnomAD 0.00578 and 0.00619; ESP Exome Variant Server 0.00677; 1000 Genomes Project 30x 0.00718; 1000 Genomes Project 0.00719; TOPMed 0.00727.
gnomAD v4.1: 1,678 of 1,614,188 alleles (0.1%); highest among the groups gnomAD compares: African/African-American, 1.9%; 17 homozygotes.

Submissions (14):

CeGaT Center for Human Genetics Tuebingen
Classification: Benign. Last evaluated: 2026-08-01. Review status: criteria provided, single submitter. Criteria: CeGaT Center For Human Genetics Tuebingen Variant Classification Criteria Version 2. Collection method: clinical testing. Allele origin: germline. Affected: yes. Observed: 6 variant alleles.
Comment: RYR1: BS1, BS2

Labcorp Genetics (formerly Invitae), Labcorp
Classification: Benign for RYR1-related disorder. Last evaluated: 2026-02-02. Review status: criteria provided, single submitter. Criteria: Invitae Variant Classification Sherloc (09022015). Collection method: clinical testing. Allele origin: germline.

ARUP Laboratories, Molecular Genetics and Genomics, ARUP Laboratories
Classification: Benign. Last evaluated: 2025-06-11. Review status: criteria provided, single submitter. Criteria: ARUP Molecular Germline Variant Investigation Process 2024. Collection method: clinical testing. Allele origin: germline.

Blueprint Genetics
Classification: Likely benign. Last evaluated: 2024-11-21. Review status: criteria provided, single submitter. Criteria: ACMG Guidelines, 2015. Collection method: clinical testing. Allele origin: germline.

All of Us Research Program, National Institutes of Health
Classification: Benign for Malignant hyperthermia, susceptibility to, 1. Last evaluated: 2024-09-27. Review status: criteria provided, single submitter. Criteria: ACMG Guidelines, 2015. Collection method: clinical testing. Allele origin: germline. Inheritance: Autosomal dominant inheritance. Observed: 521 variant alleles, 517 heterozygotes, 4 homozygotes.
Comment: This study involves interpretation of variants in research participants for the purpose of population health screening. Participant phenotype was not available at the time of variant classification. Additional details can be found in publication PMID: 35346344, PMCID: PMC8962531

Mayo Clinic Laboratories, Mayo Clinic
Classification: Benign. Last evaluated: 2024-08-27. Review status: criteria provided, single submitter. Criteria: ACMG Guidelines, 2015. Collection method: clinical testing. Allele origin: germline. Observed: 2 variant alleles.
Comment: BS1, BS2, BP4

Color Diagnostics, LLC DBA Color Health
Classification: Benign for Malignant hyperthermia, susceptibility to, 1. Last evaluated: 2022-08-17. Review status: criteria provided, single submitter. Criteria: ACMG Guidelines, 2015. Collection method: clinical testing. Allele origin: germline.

Illumina Laboratory Services, Illumina
Classification: Benign for Malignant hyperthermia, susceptibility to, 1. Last evaluated: 2018-01-12. Review status: criteria provided, single submitter. Criteria: ICSL Variant Classification Criteria 13 December 2019. Collection method: clinical testing. Allele origin: germline.
Comment: This variant was observed in the ICSL laboratory as part of a predisposition screen in an ostensibly healthy population. It had not been previously curated by ICSL or reported in the Human Gene Mutation Database (HGMD: prior to June 1st, 2018), and was therefore a candidate for classification through an automated scoring system. Utilizing variant allele frequency, disease prevalence and penetrance estimates, and inheritance mode, an automated score was calculated to assess if this variant is too frequent to cause the disease. Based on the score and internal cut-off values, a variant classified as benign is not then subjected to further curation. The score for this variant resulted in a classification of benign for this disease.

Illumina Laboratory Services, Illumina
Classification: Benign for Central core myopathy. Last evaluated: 2018-01-12. Review status: criteria provided, single submitter. Criteria: ICSL Variant Classification Criteria 13 December 2019. Collection method: clinical testing. Allele origin: germline.
Comment: the same text as in the submission from Illumina Laboratory Services, Illumina above.

Illumina Laboratory Services, Illumina
Classification: Benign for Congenital multicore myopathy with external ophthalmoplegia. Last evaluated: 2018-01-12. Review status: criteria provided, single submitter. Criteria: ICSL Variant Classification Criteria 13 December 2019. Collection method: clinical testing. Allele origin: germline.
Comment: the same text as in the submission from Illumina Laboratory Services, Illumina above.

PreventionGenetics, part of Exact Sciences
Classification: Benign. Last evaluated: 2017-10-20. Review status: criteria provided, single submitter. Criteria: ACMG Guidelines, 2015. Collection method: clinical testing. Allele origin: germline.

Athena Diagnostics
Classification: Likely benign. Last evaluated: 2016-08-15. Review status: criteria provided, single submitter. Criteria: Athena Diagnostics Criteria. Collection method: clinical testing. Allele origin: germline.

GeneDx
Classification: Benign. Last evaluated: 2016-06-23. Review status: criteria provided, single submitter. Criteria: GeneDx Variant Classification (06012015). Collection method: clinical testing. Allele origin: germline. Affected: yes.
Comment: This variant is considered likely benign or benign based on one or more of the following criteria: it is a conservative change, it occurs at a poorly conserved position in the protein, it is predicted to be benign by multiple in silico algorithms, and/or has population frequency not consistent with disease.

Breakthrough Genomics
Classification: Likely benign. Review status: criteria provided, single submitter. Criteria: ACMG Guidelines, 2015. Collection method: not provided. Allele origin: germline. Inheritance: Autosomal recessive inheritance. Affected: yes.

Literature cited by the submitters: PubMed 32236737 (cited by Mayo Clinic Laboratories, Mayo Clinic).

NM_000540.3(RYR1):c.3326G>A (p.Arg1109Lys)

Gene: RYR1 (ryanodine receptor 1; plus strand). Cytogenetic location: 19q13.2.
Variant type: single nucleotide variant.
Coding change: c.3326G>A on transcript NM_000540.3 (MANE Select); coding-DNA position 3326, G replaced by A.
Protein change: p.Arg1109Lys; replaces arginine 1109 with lysine.
Molecular consequence: missense variant.
Genome position (GRCh38, 1-based): chr19:38,467,757, G>A. VCF-style: chr19-38467757-G-A. GRCh37 (hg19) VCF-style: chr19-38958397-G-A.
Other names: c.3326G>A, p.Arg1109Lys (NM_001042723.2); short protein forms R1109K.
Identifiers: ClinVar variation 256490 (VCV000256490.31), dbSNP rs35719391, ClinGen allele CA064678.